The following is an entry in ClinVar:

ClinVar aggregate classification (germline): Uncertain significance (1 of 4 stars; one submission).

gnomAD v4.1: 1 of 1,613,282 alleles (0.000062%); highest among the groups gnomAD compares: Admixed American, 0.0017%; no homozygotes.

Submission:

GeneDx
Classification: Uncertain significance. Last evaluated: 2024-05-13. Review status: criteria provided, single submitter. Criteria: GeneDx Variant Classification Process June 2021. Collection method: clinical testing. Allele origin: germline. Affected: yes.
Comment: Not observed at significant frequency in large population cohorts (gnomAD); In silico analysis indicates that this missense variant does not alter protein structure/function; Has not been previously published as pathogenic or benign to our knowledge

NM_014727.3(KMT2B):c.5849C>T (p.Ala1950Val)

Gene: KMT2B (lysine methyltransferase 2B; plus strand). Cytogenetic location: 19q13.12.
Variant type: single nucleotide variant.
Coding change: c.5849C>T on transcript NM_014727.3 (MANE Select); coding-DNA position 5849, C replaced by T.
Protein change: p.Ala1950Val; replaces alanine 1950 with valine.
Molecular consequence: missense variant.
Genome position (GRCh38, 1-based): chr19:35,732,398, C>T. VCF-style: chr19-35732398-C-T. GRCh37 (hg19) VCF-style: chr19-36223299-C-T.
Other names: short protein forms A1950V.
Identifiers: ClinVar variation 3381498 (VCV003381498.1).